The following is an entry in ClinVar:

NM_004722.4(AP4M1):c.872C>A (p.Pro291His)

Gene: AP4M1 (adaptor related protein complex 4 subunit mu 1; plus strand). Cytogenetic location: 7q22.1.
Variant type: single nucleotide variant.
Coding change: c.872C>A on transcript NM_004722.4 (MANE Select); coding-DNA position 872, C replaced by A.
Protein change: p.Pro291His; replaces proline 291 with histidine.
Molecular consequence: missense variant.
Genome position (GRCh38, 1-based): chr7:100,105,482, C>A. VCF-style: chr7-100105482-C-A. GRCh37 (hg19) VCF-style: chr7-99703105-C-A.
Other names: c.893C>A, p.Pro298His (NM_001363671.2); short protein forms P291H, P298H.
Identifiers: ClinVar variation 2188461 (VCV002188461.2), dbSNP rs764431556, ClinGen allele CA4374840.

ClinVar aggregate classification (germline): Uncertain significance (1 of 4 stars; one submission).

Conditions:
Hereditary spastic paraplegia 50 (SPG50). Also called: Spastic paraplegia 50, autosomal recessive. Identifiers: Orphanet 280763, MedGen C2752008, MONDO:0013048, OMIM 612936.

Allele frequency attached by ClinVar (database versions not stated): gnomAD 0.00001; TOPMed 0.00001; ExAC 0.00002.

Submission:

Labcorp Genetics (formerly Invitae), Labcorp
Classification: Uncertain significance for Hereditary spastic paraplegia 50. Last evaluated: 2026-01-12. Review status: criteria provided, single submitter. Criteria: Invitae Variant Classification Sherloc (09022015). Collection method: clinical testing. Allele origin: germline.
Comment: This sequence change replaces proline, which is neutral and non-polar, with histidine, which is basic and polar, at codon 291 of the AP4M1 protein (p.Pro291His). This variant is present in population databases (rs764431556, gnomAD 0.006%). This variant has not been reported in the literature in individuals affected with AP4M1-related conditions. ClinVar contains an entry for this variant (Variation ID: 2188461). Invitae Evidence Modeling of protein sequence and biophysical properties (such as structural, functional, and spatial information, amino acid conservation, physicochemical variation, residue mobility, and thermodynamic stability) has been performed for this missense variant. However, the output from this modeling did not meet the statistical confidence thresholds required to predict the impact of this variant on AP4M1 protein function. In summary, the available evidence is currently insufficient to determine the role of this variant in disease. Therefore, it has been classified as a Variant of Uncertain Significance.